The following is an entry in ClinVar:

ClinVar aggregate classification (germline): Uncertain significance (1 of 4 stars; one submission).

Conditions:
Immunodeficiency 104. Also called: Severe combined immunodeficiency, autosomal recessive, T cell-negative, B cell-positive, NK cell-positive; SCID, AUTOSOMAL RECESSIVE, T CELL-NEGATIVE, B CELL-POSITIVE, NK CELL-POSITIVE; Severe Combined Immune Deficiency, Autosomal Recessive, TCell -Negative, B Cell-Positive, NK Cell-Positive, IL7R-Related; IMMUNODEFICIENCY 104, SEVERE COMBINED. Identifiers: MedGen C5676890, MONDO:0012163, OMIM 608971.

Submission:

Labcorp Genetics (formerly Invitae), Labcorp
Classification: Uncertain significance for Immunodeficiency 104. Last evaluated: 2021-09-01. Review status: criteria provided, single submitter. Criteria: Invitae Variant Classification Sherloc (09022015). Collection method: clinical testing. Allele origin: germline.
Comment: This sequence change replaces glutamic acid with glycine at codon 394 of the PTPRC protein (p.Glu394Gly). The glutamic acid residue is weakly conserved and there is a moderate physicochemical difference between glutamic acid and glycine. This variant is not present in population databases (ExAC no frequency). This variant has not been reported in the literature in individuals affected with PTPRC-related conditions. Algorithms developed to predict the effect of missense changes on protein structure and function (SIFT, PolyPhen-2, Align-GVGD) all suggest that this variant is likely to be tolerated. In summary, the available evidence is currently insufficient to determine the role of this variant in disease. Therefore, it has been classified as a Variant of Uncertain Significance.

NM_002838.5(PTPRC):c.1181A>G (p.Glu394Gly)

Gene: PTPRC (protein tyrosine phosphatase receptor type C; plus strand). Cytogenetic location: 1q32.1.
Variant type: single nucleotide variant.
Coding change: c.1181A>G on transcript NM_002838.5 (MANE Select); coding-DNA position 1181, A replaced by G.
Protein change: p.Glu394Gly; replaces glutamic acid 394 with glycine.
Molecular consequence: missense variant.
Genome position (GRCh38, 1-based): chr1:198,712,962, A>G. VCF-style: chr1-198712962-A-G. GRCh37 (hg19) VCF-style: chr1-198682091-A-G.
Other names: c.698A>G, p.Glu233Gly (NM_080921.4); short protein forms E233G, E394G.
Identifiers: ClinVar variation 941129 (VCV000941129.7), dbSNP rs1653389355, ClinGen allele CA344035633.